The following is an entry in ClinVar:

NM_014633.5(CTR9):c.2485G>A (p.Ala829Thr)

Gene: CTR9 (CTR9 component of Paf1/RNA polymerase II complex; plus strand). Cytogenetic location: 11p15.4.
Variant type: single nucleotide variant.
Coding change: c.2485G>A on transcript NM_014633.5 (MANE Select); coding-DNA position 2485, G replaced by A.
Protein change: p.Ala829Thr; replaces alanine 829 with threonine.
Molecular consequence: missense variant.
Genome position (GRCh38, 1-based): chr11:10,772,560, G>A. VCF-style: chr11-10772560-G-A. GRCh37 (hg19) VCF-style: chr11-10794107-G-A.
Other names: c.2413G>A, p.Ala805Thr (NM_001346279.2); short protein forms A805T, A829T.
Identifiers: ClinVar variation 3680952 (VCV003680952.2).
Genomic context (GRCh38, chr11:10,772,560, plus strand): 5'-CTAAACCTGAAATGTTCTAGGCAGTGTTCTGACTTACTGAGCCAGGCCCAGTACCATGTG[G>A]CCCGGGCACGCAAACAAGATGAAGAAGAGCGGGAGCTGCGGGCCAAGCAAGAGCAAGAAA-3'
Protein context (NP_055448.1, residues 819-839): DLLSQAQYHV[Ala829Thr]RARKQDEEER

ClinVar aggregate classification (germline): Uncertain significance (1 of 4 stars; one submission).

Submission:

Labcorp Genetics (formerly Invitae), Labcorp
Classification: Uncertain significance. Last evaluated: 2024-08-03. Review status: criteria provided, single submitter. Criteria: Invitae Variant Classification Sherloc (09022015). Collection method: clinical testing. Allele origin: germline.
Comment: This sequence change replaces alanine, which is neutral and non-polar, with threonine, which is neutral and polar, at codon 829 of the CTR9 protein (p.Ala829Thr). This variant is not present in population databases (gnomAD no frequency). This variant has not been reported in the literature in individuals affected with CTR9-related conditions. An algorithm developed to predict the effect of missense changes on protein structure and function (PolyPhen-2) suggests that this variant is likely to be tolerated. In summary, the available evidence is currently insufficient to determine the role of this variant in disease. Therefore, it has been classified as a Variant of Uncertain Significance.